The following is an entry in ClinVar:

ClinVar aggregate classification (germline): Pathogenic (1 of 4 stars; one submission).

Submission:

Labcorp Genetics (formerly Invitae), Labcorp
Classification: Pathogenic. Last evaluated: 2019-09-28. Review status: criteria provided, single submitter. Criteria: Invitae Variant Classification Sherloc (09022015). Collection method: clinical testing. Allele origin: germline.
Comment: This sequence change creates a premature translational stop signal (p.Gln2294*) in the EYS gene. It is expected to result in an absent or disrupted protein product. This variant is not present in population databases (ExAC no frequency). This variant has not been reported in the literature in individuals with EYS-related conditions. Loss-of-function variants in EYS are known to be pathogenic (PMID: 18836446, 20333770). For these reasons, this variant has been classified as Pathogenic.

Literature cited by the submitters: PubMed 18836446; PubMed 20333770.

NM_001142800.2(EYS):c.6880C>T (p.Gln2294Ter)

Gene: EYS (EGF-like photoreceptor maintenance factor; minus strand). Cytogenetic location: 6q12.
Variant type: single nucleotide variant.
Coding change: c.6880C>T on transcript NM_001142800.2 (MANE Select); coding-DNA position 6880, C replaced by T.
Protein change: p.Gln2294Ter; replaces glutamine 2294 with a stop codon.
Molecular consequence: nonsense.
Genome position (GRCh38, 1-based): chr6:63,984,558, G>A on the plus strand (C>T on the coding strand, the complement: EYS is on the minus strand). VCF-style: chr6-63984558-G-A. GRCh37 (hg19) VCF-style: chr6-64694451-G-A.
Other names: c.6880C>T, p.Gln2294Ter (NM_001292009.2); short protein forms Q2294*.
Identifiers: ClinVar variation 959687 (VCV000959687.7), dbSNP rs1767266871, ClinGen allele CA364388984.